The following is an entry in ClinVar:

NM_025193.4(HSD3B7):c.652C>T (p.Arg218Trp)

Gene: HSD3B7 (hydroxy-delta-5-steroid dehydrogenase, 3 beta- and steroid delta-isomerase 7; plus strand). Cytogenetic location: 16p11.2.
Variant type: single nucleotide variant.
Coding change: c.652C>T on transcript NM_025193.4 (MANE Select); coding-DNA position 652, C replaced by T.
Protein change: p.Arg218Trp; replaces arginine 218 with tryptophan.
Molecular consequence: missense variant. On other transcripts: intron variant (2).
Genome position (GRCh38, 1-based): chr16:30,986,960, C>T. VCF-style: chr16-30986960-C-T. GRCh37 (hg19) VCF-style: chr16-30998281-C-T.
Other names: c.531+256C>T (NM_001142777.2, NM_001142778.2); short protein forms R218W.
Identifiers: ClinVar variation 391611 (VCV000391611.2), dbSNP rs775023023, ClinGen allele CA8018062.

ClinVar aggregate classification (germline): Uncertain significance (1 of 4 stars; one submission).

Allele frequency attached by ClinVar (database versions not stated): gnomAD exomes below 0.00001 and 0.00001; TOPMed below 0.00001; ExAC 0.00001; gnomAD 0.00001.

Submission:

GeneDx
Classification: Uncertain significance. Last evaluated: 2018-04-04. Review status: criteria provided, single submitter. Criteria: GeneDx Variant Classification (06012015). Collection method: clinical testing. Allele origin: germline. Affected: yes.
Comment: The R218W variant in the HSD3B7 gene has not been reported previously as a pathogenic variant, nor as a benign variant, to our knowledge. The R218W variant was not observed in approximately 6,500 individuals of European and African American ancestry in the NHLBI Exome Sequencing Project, indicating it is not a common benign variant in these populations. The R218W variant is a non-conservative amino acid substitution, which is likely to impact secondary protein structure as these residues differ in polarity, charge, size and/or other properties. This substitution occurs at a position that is conserved in mammals. In silico analysis predicts this variant is probably damaging to the protein structure/function. We interpret R218W as a variant of uncertain significance.